The following is an entry in ClinVar:

NM_001127222.2(CACNA1A):c.3692+20A>G

Gene: CACNA1A (calcium voltage-gated channel subunit alpha1 A; minus strand). Cytogenetic location: 19p13.13.
Variant type: single nucleotide variant.
Coding change: c.3692+20A>G on transcript NM_001127222.2 (MANE Select); 20 bases into the intron after coding-DNA position 3692, A replaced by G.
Molecular consequence: intron variant.
Genome position (GRCh38, 1-based): chr19:13,285,048, T>C on the plus strand (A>G on the coding strand, the complement: CACNA1A is on the minus strand). VCF-style: chr19-13285048-T-C. GRCh37 (hg19) VCF-style: chr19-13395862-T-C.
Other names: c.3695+20A>G (NM_001127221.2, NM_001174080.2); c.3704+20A>G (NM_000068.4, NM_023035.3).
Identifiers: ClinVar variation 384872 (VCV000384872.6), dbSNP rs934863410, ClinGen allele CA16608151.

ClinVar aggregate classification (germline): Likely benign. Review status: criteria provided, multiple submitters, no conflicts (2 of 4 stars). 2 submissions from 2 submitters: Likely benign (2). Last evaluated 2023-06-16.

Conditions:
Episodic ataxia type 2 (EA2). Also called: ATAXIA, EPISODIC, WITH NYSTAGMUS; ATAXIA, FAMILIAL PAROXYSMAL; CEREBELLAR ATAXIA, PAROXYSMAL, ACETAZOLAMIDE-RESPONSIVE; CEREBELLOPATHY, HEREDITARY PAROXYSMAL; EPISODIC ATAXIA, NYSTAGMUS-ASSOCIATED; ACETAZOLAMIDE-RESPONSIVE HEREDITARY PAROXYSMAL CEREBELLAR ATAXIA. Identifiers: Orphanet 97, MedGen C1720416, MONDO:0007163, OMIM 108500.
Developmental and epileptic encephalopathy, 42 (DEE42A). Also called: Epileptic encephalopathy, early infantile, 42; DEVELOPMENTAL AND EPILEPTIC ENCEPHALOPATHY 42A; EPILEPTIC ENCEPHALOPATHY, EARLY INFANTILE, 42A. Identifiers: MedGen C4310716, MONDO:0014917, OMIM 617106.

Allele frequency attached by ClinVar (database versions not stated): gnomAD 0.00001; TOPMed 0.00002.
gnomAD v4.1: 2 of 1,613,590 alleles (0.00012%); highest among the groups gnomAD compares: African/African-American, 0.0027%; no homozygotes.

Submissions (2):

Labcorp Genetics (formerly Invitae), Labcorp
Classification: Likely benign for Developmental and epileptic encephalopathy, 42; Episodic ataxia type 2. Last evaluated: 2023-06-16. Review status: criteria provided, single submitter. Criteria: Invitae Variant Classification Sherloc (09022015). Collection method: clinical testing. Allele origin: germline.

GeneDx
Classification: Likely benign. Last evaluated: 2016-03-29. Review status: criteria provided, single submitter. Criteria: GeneDx Variant Classification (06012015). Collection method: clinical testing. Allele origin: germline. Affected: yes.
Comment: This variant is considered likely benign or benign based on one or more of the following criteria: it is a conservative change, it occurs at a poorly conserved position in the protein, it is predicted to be benign by multiple in silico algorithms, and/or has population frequency not consistent with disease.